The following is an entry in ClinVar:

ClinVar aggregate classification (germline): Uncertain significance (1 of 4 stars; one submission).

Conditions:
Danon disease. Also called: ANTOPOL DISEASE; PSEUDOGLYCOGENOSIS II; GSD IIb; LYSOSOMAL GLYCOGEN STORAGE DISEASE WITHOUT ACID MALTASE DEFICIENCY; Glycogen Storage Disease Type IIb. Identifiers: Orphanet 34587, MedGen C0878677, MONDO:0010281, OMIM 300257.

Submission:

Mendelics
Classification: Uncertain significance for Danon disease. Last evaluated: 2026-03-05. Review status: criteria provided, single submitter. Criteria: ACMG Guidelines, 2015. Collection method: clinical testing. Allele origin: unknown.
Comment: The available evidence is insufficient to conclusively determine the role of this variant. Therefore, it is classified as a Variant of Uncertain Significance.

NM_002294.3(LAMP2):c.26T>C (p.Val9Ala)

Gene: LAMP2 (lysosome associated membrane protein 2; minus strand). Cytogenetic location: Xq24.
Variant type: single nucleotide variant.
Coding change: c.26T>C on transcript NM_002294.3 (MANE Select); coding-DNA position 26, T replaced by C.
Protein change: p.Val9Ala; replaces valine 9 with alanine.
Molecular consequence: missense variant.
Genome position (GRCh38, 1-based): chrX:120,469,144, A>G on the plus strand (T>C on the coding strand, the complement: LAMP2 is on the minus strand). VCF-style: chrX-120469144-A-G. GRCh37 (hg19) VCF-style: chrX-119602999-A-G.
Other names: c.26T>C, p.Val9Ala (NM_001122606.1, NM_013995.2); short protein forms V9A.
Identifiers: ClinVar variation 4813532 (VCV004813532.1).